The following is an entry in ClinVar:

NM_000100.4(CSTB):c.*93A>G

Gene: CSTB (cystatin B; minus strand). Cytogenetic location: 21q22.3.
Variant type: single nucleotide variant.
Coding change: c.*93A>G on transcript NM_000100.4 (MANE Select); 93 bases downstream of the stop codon, A replaced by G.
Molecular consequence: 3 prime UTR variant.
Genome position (GRCh38, 1-based): chr21:43,774,109, T>C on the plus strand (A>G on the coding strand, the complement: CSTB is on the minus strand). VCF-style: chr21-43774109-T-C. GRCh37 (hg19) VCF-style: chr21-45193990-T-C.
Identifiers: ClinVar variation 897702 (VCV000897702.5), dbSNP rs9446, ClinGen allele CA321725207.

ClinVar aggregate classification (germline): Likely benign. Review status: criteria provided, multiple submitters, no conflicts (2 of 4 stars). 2 submissions from 2 submitters: Likely benign (2). Last evaluated 2018-01-12.

Conditions:
Unverricht-Lundborg syndrome. Also called: Unverricht-Lundborg Disease; EPILEPSY, PROGRESSIVE MYOCLONIC, 1A; Epilepsy, progressive myoclonic 1A (Unverricht and Lundborg); Progressive myoclonus epilepsy baltic myoclonic epilepsy; Myoclonus progressive epilepsy of Unverricht and Lundborg; Myoclonic epilepsy of unverricht and lundborg. Identifiers: Orphanet 308, MedGen C0751785, MONDO:0009698, OMIM 254800.

Allele frequency attached by ClinVar (database versions not stated): 1000 Genomes Project 0.00499; 1000 Genomes Project 30x 0.00515; gnomAD 0.01254; TOPMed 0.01346.

Submissions (2):

Illumina Laboratory Services, Illumina
Classification: Likely benign for Unverricht-Lundborg syndrome. Last evaluated: 2018-01-12. Review status: criteria provided, single submitter. Criteria: ICSL Variant Classification Criteria 13 December 2019. Collection method: clinical testing. Allele origin: germline.
Comment: This variant was observed in the ICSL laboratory as part of a predisposition screen in an ostensibly healthy population. It had not been previously curated by ICSL or reported in the Human Gene Mutation Database (HGMD: prior to June 1st, 2018), and was therefore a candidate for classification through an automated scoring system. Utilizing variant allele frequency, disease prevalence and penetrance estimates, and inheritance mode, an automated score was calculated to assess if this variant is too frequent to cause the disease. Based on the score and internal cut-off values, a variant classified as likely benign is not then subjected to further curation. The score for this variant resulted in a classification of likely benign for this disease.

Breakthrough Genomics
Classification: Likely benign. Review status: criteria provided, single submitter. Criteria: ACMG Guidelines, 2015. Collection method: not provided. Allele origin: germline. Inheritance: Autosomal recessive inheritance. Affected: yes.